The following is an entry in ClinVar:

ClinVar aggregate classification (germline): Uncertain significance (1 of 4 stars; one submission).

Conditions:
Long QT syndrome (LQTS). Identifiers: MedGen C0023976, MeSH D008133, MONDO:0002442. Disease mechanism: loss of function. Inheritance: Various modes of inheritance.

Submission:

Labcorp Genetics (formerly Invitae), Labcorp
Classification: Uncertain significance for Long QT syndrome. Last evaluated: 2023-12-07. Review status: criteria provided, single submitter. Criteria: Invitae Variant Classification Sherloc (09022015). Collection method: clinical testing. Allele origin: germline.
Comment: This sequence change replaces proline, which is neutral and non-polar, with leucine, which is neutral and non-polar, at codon 690 of the KCNH2 protein (p.Pro690Leu). This variant is not present in population databases (gnomAD no frequency). This variant has not been reported in the literature in individuals affected with KCNH2-related conditions. ClinVar contains an entry for this variant (Variation ID: 2100787). An algorithm developed to predict the effect of missense changes on protein structure and function (PolyPhen-2) suggests that this variant is likely to be disruptive. In summary, the available evidence is currently insufficient to determine the role of this variant in disease. Therefore, it has been classified as a Variant of Uncertain Significance.

NM_000238.4(KCNH2):c.2069C>T (p.Pro690Leu)

Gene: KCNH2 (potassium voltage-gated channel subfamily H member 2; minus strand). Cytogenetic location: 7q36.1.
Variant type: single nucleotide variant.
Coding change: c.2069C>T on transcript NM_000238.4 (MANE Select); coding-DNA position 2069, C replaced by T.
Protein change: p.Pro690Leu; replaces proline 690 with leucine.
Molecular consequence: missense variant.
Genome position (GRCh38, 1-based): chr7:150,950,997, G>A on the plus strand (C>T on the coding strand, the complement: KCNH2 is on the minus strand). VCF-style: chr7-150950997-G-A. GRCh37 (hg19) VCF-style: chr7-150648085-G-A.
Other names: c.1049C>T, p.Pro350Leu (NM_001204798.2, NM_172057.3); c.1781C>T, p.Pro594Leu (NM_001406753.1, NM_001406756.1); c.1892C>T, p.Pro631Leu (NM_001406755.1); c.1769C>T, p.Pro590Leu (NM_001406757.1); c.2069C>T, p.Pro690Leu (NM_172056.3); short protein forms P631L, P590L, P690L, P594L, P350L.
Identifiers: ClinVar variation 2100787 (VCV002100787.4), dbSNP rs2486030959, ClinGen allele CA369857532.